The following is an entry in ClinVar:

NM_014915.3(ANKRD26):c.3497A>T (p.Asn1166Ile)

Gene: ANKRD26 (ankyrin repeat domain containing 26; minus strand). Cytogenetic location: 10p12.1.
Variant type: single nucleotide variant.
Coding change: c.3497A>T on transcript NM_014915.3 (MANE Select); coding-DNA position 3497, A replaced by T.
Protein change: p.Asn1166Ile; replaces asparagine 1166 with isoleucine.
Molecular consequence: missense variant.
Genome position (GRCh38, 1-based): chr10:27,034,953, T>A on the plus strand (A>T on the coding strand, the complement: ANKRD26 is on the minus strand). VCF-style: chr10-27034953-T-A. GRCh37 (hg19) VCF-style: chr10-27323882-T-A.
Other names: c.3494A>T, p.Asn1165Ile (NM_001256053.2); short protein forms N1166I, N1165I.
Identifiers: ClinVar variation 3868277 (VCV003868277.1).

ClinVar aggregate classification (germline): Uncertain significance (1 of 4 stars; one submission).

Conditions:
Inborn genetic diseases. Identifiers: MedGen C0950123, MeSH D030342.

Submission:

Ambry Genetics
Classification: Uncertain significance for Inborn genetic diseases. Last evaluated: 2025-01-05. Review status: criteria provided, single submitter. Criteria: Ambry Variant Classification Scheme 2023. Collection method: clinical testing. Allele origin: germline.
Comment: The p.N1166I variant (also known as c.3497A>T), located in coding exon 24 of the ANKRD26 gene, results from an A to T substitution at nucleotide position 3497. The asparagine at codon 1166 is replaced by isoleucine, an amino acid with dissimilar properties. This amino acid position is conserved. In addition, this alteration is predicted to be tolerated by in silico analysis. Based on the available evidence, the clinical significance of this variant remains unclear.